The following is an entry in ClinVar:

ClinVar aggregate classification (germline): Pathogenic (1 of 4 stars; one submission).

Conditions:
Retinoblastoma (RB1). Also called: RETINOBLASTOMA, SOMATIC. Identifiers: Orphanet 790, MedGen C0035335, MeSH D012175, MONDO:0008380, OMIM 180200, HP:0009919. Disease mechanism: loss of function. Inheritance: Both sporadic and heritable forms are tested..

Submission:

Genetic Diagnostic Laboratory, University of Pennsylvania School of Medicine
Classification: Pathogenic for Retinoblastoma. Last evaluated: 2024-05-20. Review status: criteria provided, single submitter. Criteria: ACMG Guidelines, 2015. Collection method: clinical testing. Allele origin: germline. Affected: yes. Observed: 1 variant allele.
Comment: Case and Pedigree Information: BILATERAL CASES:1, UNILATERAL CASES:0, TOTAL CASES:1, PEDIGREES:1. ACMG Codes Applied:PVS1, PM2

NM_000321.3(RB1):c.2426del (p.Leu809fs)

Gene: RB1 (RB transcriptional corepressor 1; plus strand). Cytogenetic location: 13q14.2.
Variant type: Deletion.
Coding change: c.2426del on transcript NM_000321.3 (MANE Select); coding-DNA position 2426, one base deleted (T; older notation c.2426delT).
Protein change: p.Leu809fs; shifts the reading frame from leucine 809.
Molecular consequence: frameshift variant.
Genome position (GRCh38, 1-based): chr13:48,465,305, T deleted. VCF-style (leftmost placement, unchanged base first): chr13-48465304-CT-C. GRCh37 (hg19) VCF-style: chr13-49039440-CT-C.
Other names: c.2426del, p.Leu809fs (NM_001407165.1); short protein forms L809fs.
Identifiers: ClinVar variation 3237092 (VCV003237092.1), dbSNP rs2542375996.